The following is an entry in ClinVar:

ClinVar aggregate classification (germline): Likely pathogenic. Review status: criteria provided, single submitter (1 of 4 stars). 2 submissions from 2 submitters: Likely pathogenic (1). 1 of the submissions does not count toward it. Last evaluated 2025-07-02.

Conditions:
Colorectal cancer, susceptibility to, 12 (CRCS12). Also called: COLORECTAL CANCER, SUSCEPTIBILITY TO, ON CHROMOSOME 12q24. Identifiers: Orphanet 220460, MedGen C3554460, MONDO:0014038, OMIM 615083.

Submissions (2):

Labcorp Genetics (formerly Invitae), Labcorp
Classification: Likely pathogenic. Last evaluated: 2025-07-02. Review status: criteria provided, single submitter. Criteria: Invitae Variant Classification Sherloc (09022015). Collection method: clinical testing. Allele origin: germline.
Comment: This sequence change affects an acceptor splice site in intron 47 of the POLE gene. It is expected to disrupt RNA splicing. Variants that disrupt the donor or acceptor splice site typically lead to a loss of protein function (PMID: 16199547), and loss-of-function variants in POLE are known to be pathogenic (PMID: 23230001, 25948378, 30503519). This variant is not present in population databases (gnomAD no frequency). This variant has not been reported in the literature in individuals affected with POLE-related conditions. ClinVar contains an entry for this variant (Variation ID: 548736). Algorithms developed to predict the effect of sequence changes on RNA splicing suggest that this variant may disrupt the consensus splice site. In summary, the currently available evidence indicates that the variant is pathogenic, but additional data are needed to prove that conclusively. Therefore, this variant has been classified as Likely Pathogenic.

Counsyl
Classification: Uncertain significance for Colorectal cancer, susceptibility to, 12. Last evaluated: 2017-03-30. Review status: no assertion criteria provided. Collection method: clinical testing. Allele origin: unknown. Not counted in ClinVar's aggregate classification.

Literature cited by the submitters: PubMed 16199547 (cited by Labcorp Genetics (formerly Invitae), Labcorp); PubMed 23230001 (cited by Labcorp Genetics (formerly Invitae), Labcorp); PubMed 25948378 (cited by Labcorp Genetics (formerly Invitae), Labcorp); PubMed 30503519 (cited by Labcorp Genetics (formerly Invitae), Labcorp).

NM_006231.4(POLE):c.6658-1G>A

Gene: POLE (DNA polymerase epsilon, catalytic subunit; minus strand). Cytogenetic location: 12q24.33.
Variant type: single nucleotide variant.
Coding change: c.6658-1G>A on transcript NM_006231.4 (MANE Select); the canonical splice acceptor site of the intron before coding-DNA position 6658, G replaced by A.
Molecular consequence: splice acceptor variant.
Genome position (GRCh38, 1-based): chr12:132,624,995, C>T on the plus strand (G>A on the coding strand, the complement: POLE is on the minus strand). VCF-style: chr12-132624995-C-T. GRCh37 (hg19) VCF-style: chr12-133201581-C-T.
Identifiers: ClinVar variation 548736 (VCV000548736.4), dbSNP rs1555300846, ClinGen allele CA387366300.